The following is an entry in ClinVar:

NM_138376.3(TTC5):c.787C>T (p.Arg263Ter)

Genes: TTC5 (tetratricopeptide repeat domain 5; minus strand), LOC126861878 (CDK7 strongly-dependent group 2 enhancer GRCh37_chr14:20763215-20764414; plus strand). Cytogenetic location: 14q11.2.
Variant type: single nucleotide variant.
Coding change: c.787C>T on transcript NM_138376.3 (MANE Select); coding-DNA position 787, C replaced by T.
Protein change: p.Arg263Ter; replaces arginine 263 with a stop codon.
Molecular consequence: nonsense.
Genome position (GRCh38, 1-based): chr14:20,295,764, G>A on the plus strand (C>T on the coding strand, the complement: TTC5 is on the minus strand). VCF-style: chr14-20295764-G-A. GRCh37 (hg19) VCF-style: chr14-20763923-G-A.
Other names: short protein forms R263*.
Identifiers: ClinVar variation 1048623 (VCV001048623.6), dbSNP rs199831317, ClinGen allele CA7076920.

ClinVar aggregate classification (germline): Pathogenic/Likely pathogenic. Review status: criteria provided, multiple submitters, no conflicts (2 of 4 stars). 5 submissions from 5 submitters: Pathogenic (3); Likely pathogenic (1). 1 of the submissions does not count toward it. Last evaluated 2025-01-10.

Conditions:
Neurodevelopmental disorder with cerebral atrophy and variable facial dysmorphism. Identifiers: MedGen C5543228, MONDO:0030999, OMIM 619244.

Allele frequency attached by ClinVar (database versions not stated): ExAC 0.00001; gnomAD exomes 0.00001.

Submissions (5):

Dasa
Classification: Pathogenic. Last evaluated: 2025-01-10. Review status: criteria provided, single submitter. Criteria: DASA Assertion Criteria. Collection method: clinical testing. Allele origin: germline.
Comment: NM_138376.3(TTC5):c.787C>T (p.Arg263*) introduces a premature termination codon predicted to result in loss of normal protein function. Loss-of-function is an established mechanism of disease for this gene. This variant has been observed in affected individuals with related phenotype in a genotype context consistent with recessive disease (PMID: 32439809). This variant has been reported in individuals with related phenotype (PMID: 32439809). The variant is present at low frequency in population datasets. Based on the available data, this variant is classified as pathogenic.

3billion
Classification: Pathogenic for Neurodevelopmental disorder with cerebral atrophy and variable facial dysmorphism. Last evaluated: 2023-10-12. Review status: criteria provided, single submitter. Criteria: ACMG Guidelines, 2015. Collection method: clinical testing. Allele origin: germline. Affected: yes.
Comment: The variant is observed at an extremely low frequency in the gnomAD v2.1.1 dataset (total allele frequency: 0.001%). Predicted Consequence/Location: Stop-gained (nonsense): predicted to result in a loss or disruption of normal protein function through nonsense-mediated decay (NMD) or protein truncation. Multiple pathogenic variants are reported downstream of the variant. The variant has been reported at least twice as pathogenic without evidence for the classification (ClinVar ID: VCV001048623 /PMID: 32439809). Therefore, this variant is classified as Pathogenic according to the recommendation of ACMG/AMP guideline.

Lifecell International Pvt. Ltd
Classification: Pathogenic for Neurodevelopmental disorder with cerebral atrophy and variable facial dysmorphism. Review status: criteria provided, single submitter. Criteria: ACMG Guidelines, 2015. Collection method: clinical testing. Allele origin: germline. Inheritance: Autosomal recessive inheritance. Affected: yes. Observed: 1 homozygote.
Comment: A Homozygote nonsense variant c.787C>T in Exon 7 of the TTC5 gene that results in the amino acid substitution p.Arg263* was identified. The observed variant has a minor allele frequency of 0.00001% in gnomAD exomes and genomes, respectively. The severity of the impact of this variant on the protein is high, based on the effect of the protein and REVEL score. Rare Exome Variant Ensemble Learner (REVEL) is an ensembl method for predicting the pathogenicity of missense variants based on a combination of scores from 13 individual tools: MutPred, FATHMM v2.3, VEST 3.0, PolyPhen-2, SIFT, PROVEAN, MutationAssessor, MutationTaster, LRT, GERP++, SiPhy, phyloP, and phastCons. The REVEL score for an individual missense variant can range from 0 to 1, with higher scores reflecting greater likelihood that the variant is disease-causing. ClinVar has also classified this variant as Pathogenic (Variation ID: 1048623). The variant has been previously reported by Rasheed A, et al., 2020 for developmental delay and intellectual disabilities. Based on the above evidence this variant has been classified as Pathogenic according to the ACMG guidelines.

Neuberg Centre For Genomic Medicine, NCGM
Classification: Likely pathogenic for Neurodevelopmental disorder with cerebral atrophy and variable facial dysmorphism. Review status: criteria provided, single submitter. Criteria: ACMG Guidelines, 2015. Collection method: clinical testing. Allele origin: germline. Inheritance: Autosomal recessive inheritance. Affected: yes.
Comment: The stop-gained variant c.787C>T (p.Arg263Ter) in the TTC5 gene has been reported in the homozygous state in an individual affected with delayed developmental milestones and intellectual disability (Rasheed et al., 2021). This variant is reported with the allele frequency (0.0007%) in the gnomAD Exomes and absent in 1000 Genomes. It has been submitted to ClinVar as Pathogenic. However, study on multiple affected individuals and functional studies on the pathogenicity of the variant is unavailable. This variant is predicted to cause a loss of normal protein function through protein truncation. Loss of function variants has been previously reported to be disease causing. For these reasons, this variant has been classified as Likely Pathogenic.

OMIM
Classification: Pathogenic for NEURODEVELOPMENTAL DISORDER WITH CEREBRAL ATROPHY AND VARIABLE FACIAL DYSMORPHISM. Last evaluated: 2021-04-01. Review status: no assertion criteria provided. Collection method: literature only. Allele origin: germline. Not counted in ClinVar's aggregate classification.

Literature cited by the submitters: PubMed 32439809 (cited by 4 submitters).